The following is an entry in ClinVar:

NM_000718.4(CACNA1B):c.2092+10T>C

Gene: CACNA1B (calcium voltage-gated channel subunit alpha1 B; plus strand). Cytogenetic location: 9q34.3.
Variant type: single nucleotide variant.
Coding change: c.2092+10T>C on transcript NM_000718.4 (MANE Select); 10 bases into the intron after coding-DNA position 2092, T replaced by C.
Molecular consequence: intron variant.
Genome position (GRCh38, 1-based): chr9:138,006,894, T>C. VCF-style: chr9-138006894-T-C. GRCh37 (hg19) VCF-style: chr9-140901346-T-C.
Other names: c.2092+10T>C (NM_001243812.2, NM_000718.3).
Identifiers: ClinVar variation 2058084 (VCV002058084.7), dbSNP rs200546797, ClinGen allele CA5376363.

ClinVar aggregate classification (germline): Benign/Likely benign. Review status: criteria provided, multiple submitters, no conflicts (2 of 4 stars). 3 submissions from 3 submitters: Benign (1); Likely benign (1). 1 of the submissions does not count toward it. Last evaluated 2026-01-09.

Conditions:
CACNA1B-related disorder. Also called: CACNA1B-related condition.

Allele frequency attached by ClinVar (database versions not stated): gnomAD exomes 0.00003; ExAC 0.00020; ESP Exome Variant Server 0.00048; gnomAD 0.00050; TOPMed 0.00055; 1000 Genomes Project 0.00100; 1000 Genomes Project 30x 0.00125.
gnomAD v4.1: 114 of 1,456,284 alleles (0.0078%); highest among the groups gnomAD compares: African/African-American, 0.15%; 1 homozygote.

Submissions (3):

Labcorp Genetics (formerly Invitae), Labcorp
Classification: Benign. Last evaluated: 2026-01-09. Review status: criteria provided, single submitter. Criteria: Invitae Variant Classification Sherloc (09022015). Collection method: clinical testing. Allele origin: germline.

Blueprint Genetics
Classification: Likely benign. Last evaluated: 2022-09-09. Review status: criteria provided, single submitter. Criteria: ACMG Guidelines, 2015. Collection method: clinical testing. Allele origin: germline.

PreventionGenetics, part of Exact Sciences
Classification: Likely benign for CACNA1B-related condition. Last evaluated: 2019-07-29. Review status: no assertion criteria provided. Collection method: clinical testing. Allele origin: germline. Not counted in ClinVar's aggregate classification.
Comment: This variant is classified as likely benign based on ACMG/AMP sequence variant interpretation guidelines (Richards et al. 2015 PMID: 25741868, with internal and published modifications).